The following is an entry in ClinVar:

NM_001005373.4(LRSAM1):c.636C>G (p.Tyr212Ter)

Gene: LRSAM1 (leucine rich repeat and sterile alpha motif containing 1; plus strand). Cytogenetic location: 9q33.3.
Variant type: single nucleotide variant.
Coding change: c.636C>G on transcript NM_001005373.4 (MANE Select); coding-DNA position 636, C replaced by G.
Protein change: p.Tyr212Ter; replaces tyrosine 212 with a stop codon.
Molecular consequence: nonsense. On other transcripts: 5 prime UTR variant (1), non-coding transcript variant (2).
Genome position (GRCh38, 1-based): chr9:127,473,817, C>G. VCF-style: chr9-127473817-C-G. GRCh37 (hg19) VCF-style: chr9-130236096-C-G.
Other names: c.636C>G, p.Tyr212Ter (NM_001005374.4, NM_001190723.3, NM_001384142.1 and 2 more transcripts); c.-149C>G (NM_001384144.1); short protein forms Y212*.
Identifiers: ClinVar variation 540003 (VCV000540003.6), dbSNP rs1345228128, ClinGen allele CA374929642.

ClinVar aggregate classification (germline): Pathogenic (1 of 4 stars; one submission).

Conditions:
Charcot-Marie-Tooth disease axonal type 2P. Also called: CHARCOT-MARIE-TOOTH NEUROPATHY, TYPE 2P; CHARCOT-MARIE-TOOTH DISEASE, AXONAL, TYPE 2G; CMT 2G; Charcot-Marie-Tooth Neuropathy Type 2G. Identifiers: Orphanet 300319, Orphanet 99941, MedGen C3280797, MONDO:0013753, OMIM 614436.

Allele frequency attached by ClinVar (database versions not stated): TOPMed below 0.00001.
gnomAD v4.1: 1 of 1,614,100 alleles (0.000062%); highest among the groups gnomAD compares: Non-Finnish European, 0.000085%; no homozygotes.

Submission:

Labcorp Genetics (formerly Invitae), Labcorp
Classification: Pathogenic for Charcot-Marie-Tooth disease axonal type 2P. Last evaluated: 2020-05-26. Review status: criteria provided, single submitter. Criteria: Invitae Variant Classification Sherloc (09022015). Collection method: clinical testing. Allele origin: germline.
Comment: For these reasons, this variant has been classified as Pathogenic. This sequence change creates a premature translational stop signal (p.Tyr212*) in the LRSAM1 gene. It is expected to result in an absent or disrupted protein product. This variant is not present in population databases (ExAC no frequency). This variant has not been reported in the literature in individuals with LRSAM1-related conditions. Loss-of-function variants in LRSAM1 are known to be pathogenic (PMID: 20865121).

Literature cited by the submitters: PubMed 20865121.